The following is an entry in ClinVar:

ClinVar aggregate classification (germline): Uncertain significance. Review status: criteria provided, multiple submitters, no conflicts (2 of 4 stars). 2 submissions from 2 submitters: Uncertain significance (2). Last evaluated 2026-03-06.

Conditions:
FG syndrome (FGS). Identifiers: MedGen C0220769, MONDO:0002010.

Allele frequency attached by ClinVar (database versions not stated): gnomAD 0.00001; gnomAD exomes 0.00004.
gnomAD v4.1: 38 of 1,162,291 alleles (0.0033%); highest among the groups gnomAD compares: Non-Finnish European, 0.0042%; no homozygotes.

Submissions (2):

GeneDx
Classification: Uncertain significance. Last evaluated: 2026-03-06. Review status: criteria provided, single submitter. Criteria: GeneDx Variant Classification Process June 2021. Collection method: clinical testing. Allele origin: germline.
Comment: Has not been previously published as pathogenic or benign to our knowledge; Not observed at significant frequency in large population cohorts (gnomAD); In silico analysis suggests that this missense variant does not alter protein structure/function

Labcorp Genetics (formerly Invitae), Labcorp
Classification: Uncertain significance for FG syndrome. Last evaluated: 2025-04-10. Review status: criteria provided, single submitter. Criteria: Invitae Variant Classification Sherloc (09022015). Collection method: clinical testing. Allele origin: germline.
Comment: This sequence change replaces glutamine, which is neutral and polar, with lysine, which is basic and polar, at codon 2092 of the MED12 protein (p.Gln2092Lys). This variant is not present in population databases (gnomAD no frequency). This variant has not been reported in the literature in individuals affected with MED12-related conditions. ClinVar contains an entry for this variant (Variation ID: 2159400). Invitae Evidence Modeling of protein sequence and biophysical properties (such as structural, functional, and spatial information, amino acid conservation, physicochemical variation, residue mobility, and thermodynamic stability) indicates that this missense variant is not expected to disrupt MED12 protein function with a negative predictive value of 95%. In summary, the available evidence is currently insufficient to determine the role of this variant in disease. Therefore, it has been classified as a Variant of Uncertain Significance.

NM_005120.3(MED12):c.6274C>A (p.Gln2092Lys)

Gene: MED12 (mediator complex subunit 12; plus strand). Cytogenetic location: Xq13.1.
Variant type: single nucleotide variant.
Coding change: c.6274C>A on transcript NM_005120.3 (MANE Select); coding-DNA position 6274, C replaced by A.
Protein change: p.Gln2092Lys; replaces glutamine 2092 with lysine.
Molecular consequence: missense variant.
Genome position (GRCh38, 1-based): chrX:71,141,236, C>A. VCF-style: chrX-71141236-C-A. GRCh37 (hg19) VCF-style: chrX-70361086-C-A.
Other names: c.6274C>A (NM_005120.2); short protein forms Q2092K.
Identifiers: ClinVar variation 2159400 (VCV002159400.5), dbSNP rs1359504788, ClinGen allele CA413541298.